The following is an entry in ClinVar:

ClinVar aggregate classification (germline): Pathogenic (1 of 4 stars; one submission).

Conditions:
GNE myopathy (NM). Also called: IBM 2; Inclusion body myopathy autosomal recessive; Inclusion body myopathy quadriceps sparing; MYOPATHY, DISTAL, WITH OR WITHOUT RIMMED VACUOLES; INCLUSION BODY MYOPATHY, HEREDITARY, AUTOSOMAL RECESSIVE; INCLUSION BODY MYOPATHY 2, AUTOSOMAL RECESSIVE. Identifiers: Orphanet 602, MedGen C1853926, MONDO:0011603, OMIM 605820.
Sialuria. Also called: Sialic Acid Storage Disease; SIALURIA, FRENCH TYPE. Identifiers: Orphanet 3166, MedGen C0342853, MONDO:0010028, OMIM 269921.

Submission:

Labcorp Genetics (formerly Invitae), Labcorp
Classification: Pathogenic for Sialuria; GNE myopathy. Last evaluated: 2022-04-30. Review status: criteria provided, single submitter. Criteria: Invitae Variant Classification Sherloc (09022015). Collection method: clinical testing. Allele origin: germline.
Comment: This variant has not been reported in the literature in individuals affected with GNE-related conditions. For these reasons, this variant has been classified as Pathogenic. This variant disrupts a region of the GNE protein in which other variant(s) (p.Met743Thr) have been determined to be pathogenic (PMID: 11528398, 15147877, 15670773, 20300792, 23278550). This suggests that this is a clinically significant region of the protein, and that variants that disrupt it are likely to be disease-causing. This variant is not present in population databases (gnomAD no frequency). This sequence change creates a premature translational stop signal (p.Val696*) in the GNE gene. While this is not anticipated to result in nonsense mediated decay, it is expected to disrupt the last 58 amino acid(s) of the GNE protein.

Literature cited by the submitters: PubMed 11528398; PubMed 15147877; PubMed 15670773; PubMed 20300792; PubMed 23278550.

NM_005476.7(GNE):c.1990del (p.Leu664_Val665insTer)

Gene: GNE (glucosamine (UDP-N-acetyl)-2-epimerase/N-acetylmannosamine kinase; minus strand). Cytogenetic location: 9p13.3.
Variant type: Deletion.
Coding change: c.1990del on transcript NM_005476.7 (MANE Select); coding-DNA position 1990, one base deleted (C; older notation c.1990delC).
Protein change: p.Leu664_Val665insTer.
Molecular consequence: frameshift variant.
Genome position (GRCh38, 1-based): chr9:36,217,544, G deleted on the plus strand (C on the coding strand, the reverse complement: GNE is on the minus strand); the first of 3 consecutive G bases (chr9:36,217,544-36,217,546); deleting any one gives the same sequence. VCF-style (leftmost placement, unchanged base first): chr9-36217543-AG-A. GRCh37 (hg19) VCF-style: chr9-36217540-AG-A.
Other names: c.2083del, p.Leu695_Val696insTer (NM_001128227.3); c.1768del, p.Leu590_Val591insTer (NM_001190383.3); c.1660del, p.Leu554_Val555insTer (NM_001190384.3); c.1813del, p.Leu605_Val606insTer (NM_001190388.2, NM_001374798.1); c.1837del, p.Leu613_Val614insTer (NM_001374797.1).
Identifiers: ClinVar variation 2128738 (VCV002128738.4), dbSNP rs2489583729, ClinGen allele CA2580080496.
Genomic context (GRCh38, chr9:36,217,543, plus strand): 5'-CGAATGACGTCTTTGACAATGTGGATATAGTGACTGGCCAGGACTCCGGAGAGGATCACA[AG>A]GGAGGGATTCATGGTATGGAGGATGTTCACAACCCCAAGACCCAAAGCTGTTCCAGCTAT-3'